The following is an entry in ClinVar:

ClinVar aggregate classification (germline): Uncertain significance (1 of 4 stars; one submission).

Submission:

Labcorp Genetics (formerly Invitae), Labcorp
Classification: Uncertain significance. Last evaluated: 2024-02-10. Review status: criteria provided, single submitter. Criteria: Invitae Variant Classification Sherloc (09022015). Collection method: clinical testing. Allele origin: germline.
Comment: This sequence change replaces lysine, which is basic and polar, with glutamine, which is neutral and polar, at codon 1402 of the KMT2E protein (p.Lys1402Gln). This variant is not present in population databases (gnomAD no frequency). This variant has not been reported in the literature in individuals affected with KMT2E-related conditions. Advanced modeling of protein sequence and biophysical properties (such as structural, functional, and spatial information, amino acid conservation, physicochemical variation, residue mobility, and thermodynamic stability) performed at Invitae indicates that this missense variant is not expected to disrupt KMT2E protein function with a negative predictive value of 80%. In summary, the available evidence is currently insufficient to determine the role of this variant in disease. Therefore, it has been classified as a Variant of Uncertain Significance.

NM_182931.3(KMT2E):c.4204A>C (p.Lys1402Gln)

Gene: KMT2E (lysine methyltransferase 2E (inactive); plus strand). Cytogenetic location: 7q22.3.
Variant type: single nucleotide variant.
Coding change: c.4204A>C on transcript NM_182931.3 (MANE Select); coding-DNA position 4204, A replaced by C.
Protein change: p.Lys1402Gln; replaces lysine 1402 with glutamine.
Molecular consequence: missense variant.
Genome position (GRCh38, 1-based): chr7:105,111,960, A>C. VCF-style: chr7-105111960-A-C. GRCh37 (hg19) VCF-style: chr7-104752407-A-C.
Other names: c.4078A>C, p.Lys1360Gln (NM_001410908.1); c.4204A>C, p.Lys1402Gln (NM_018682.4); short protein forms K1360Q, K1402Q.
Identifiers: ClinVar variation 3698706 (VCV003698706.2).